The following is an entry in ClinVar:

NM_153717.3(EVC):c.698A>G (p.His233Arg)

Gene: EVC (EvC ciliary complex subunit 1; plus strand). Cytogenetic location: 4p16.2.
Variant type: single nucleotide variant.
Coding change: c.698A>G on transcript NM_153717.3 (MANE Select); coding-DNA position 698, A replaced by G.
Protein change: p.His233Arg; replaces histidine 233 with arginine.
Molecular consequence: missense variant.
Genome position (GRCh38, 1-based): chr4:5,733,431, A>G. VCF-style: chr4-5733431-A-G. GRCh37 (hg19) VCF-style: chr4-5735158-A-G.
Other names: c.698A>G, p.His233Arg (NM_001306090.2, NM_001306092.2); short protein forms H233R.
Identifiers: ClinVar variation 598313 (VCV000598313.8), dbSNP rs769431829, ClinGen allele CA356144282.

ClinVar aggregate classification (germline): Uncertain significance. Review status: criteria provided, multiple submitters, no conflicts (2 of 4 stars). 2 submissions from 2 submitters: Uncertain significance (2). Last evaluated 2021-12-12.

Conditions:
Ellis-van Creveld syndrome (EVC). Also called: EVC-Related Ellis-van Creveld Syndrome; EVC2-Related Ellis-van Creveld Syndrome; Chondroectodermal dysplasia; MESOECTODERMAL DYSPLASIA. Identifiers: Orphanet 289, MedGen C0013903, MONDO:0009162, OMIM 225500.
Curry-Hall syndrome (WAD). Also called: WEYERS ACRODENTAL DYSOSTOSIS. Identifiers: Orphanet 952, MedGen C0457013, MONDO:0008673, OMIM 193530.

gnomAD v4.1: 3 of 1,613,868 alleles (0.00019%); highest among the groups gnomAD compares: East Asian, 0.0045%; no homozygotes.

Submissions (2):

Labcorp Genetics (formerly Invitae), Labcorp
Classification: Uncertain significance for Curry-Hall syndrome; Ellis-van Creveld syndrome. Last evaluated: 2021-12-12. Review status: criteria provided, single submitter. Criteria: Invitae Variant Classification Sherloc (09022015). Collection method: clinical testing. Allele origin: germline.
Comment: This sequence change replaces histidine, which is basic and polar, with arginine, which is basic and polar, at codon 233 of the EVC protein (p.His233Arg). This variant is present in population databases (no rsID available, gnomAD 0.02%). This variant has not been reported in the literature in individuals affected with EVC-related conditions. ClinVar contains an entry for this variant (Variation ID: 598313). Algorithms developed to predict the effect of missense changes on protein structure and function output the following: SIFT: "Deleterious"; PolyPhen-2: "Benign"; Align-GVGD: "Class C0". The arginine amino acid residue is found in multiple mammalian species, which suggests that this missense change does not adversely affect protein function. Algorithms developed to predict the effect of sequence changes on RNA splicing suggest that this variant may create or strengthen a splice site. In summary, the available evidence is currently insufficient to determine the role of this variant in disease. Therefore, it has been classified as a Variant of Uncertain Significance.

Eurofins Ntd Llc (ga)
Classification: Uncertain significance. Last evaluated: 2018-08-20. Review status: criteria provided, single submitter. Criteria: EGL ClinVar v180209 classification definitions. Collection method: clinical testing. Allele origin: germline. Observed: 1 variant allele, 1 heterozygote.